The following is an entry in ClinVar:

ClinVar aggregate classification (germline): Uncertain significance (1 of 4 stars; one submission).

Submission:

Labcorp Genetics (formerly Invitae), Labcorp
Classification: Uncertain significance. Last evaluated: 2021-02-17. Review status: criteria provided, single submitter. Criteria: Invitae Variant Classification Sherloc (09022015). Collection method: clinical testing. Allele origin: germline.
Comment: This sequence change replaces glycine with aspartic acid at codon 69 of the LAMC3 protein (p.Gly69Asp). The glycine residue is moderately conserved and there is a moderate physicochemical difference between glycine and aspartic acid. The frequency data for this variant in the population databases is considered unreliable, as metrics indicate insufficient coverage at this position in the ExAC database. This variant has not been reported in the literature in individuals with LAMC3-related conditions. Algorithms developed to predict the effect of missense changes on protein structure and function are either unavailable or do not agree on the potential impact of this missense change (SIFT: "Tolerated"; PolyPhen-2: "Possibly Damaging"; Align-GVGD: "Class C0"). In summary, the available evidence is currently insufficient to determine the role of this variant in disease. Therefore, it has been classified as a Variant of Uncertain Significance.

NM_006059.4(LAMC3):c.206G>A (p.Gly69Asp)

Gene: LAMC3 (laminin subunit gamma 3; plus strand). Cytogenetic location: 9q34.12.
Variant type: single nucleotide variant.
Coding change: c.206G>A on transcript NM_006059.4 (MANE Select); coding-DNA position 206, G replaced by A.
Protein change: p.Gly69Asp; replaces glycine 69 with aspartic acid.
Molecular consequence: missense variant.
Genome position (GRCh38, 1-based): chr9:131,009,420, G>A. VCF-style: chr9-131009420-G-A. GRCh37 (hg19) VCF-style: chr9-133884807-G-A.
Other names: short protein forms G69D.
Identifiers: ClinVar variation 1399448 (VCV001399448.8), dbSNP rs760608783, ClinGen allele CA375250604.